The following is an entry in ClinVar:

NM_000057.4(BLM):c.2093_2094del (p.Cys698fs)

Gene: BLM (BLM RecQ like helicase; plus strand). Cytogenetic location: 15q26.1.
Variant type: Microsatellite.
Coding change: c.2093_2094del on transcript NM_000057.4 (MANE Select); coding-DNA positions 2093 to 2094, 2 bases deleted (GT; older notation c.2093_2094delGT).
Protein change: p.Cys698fs; shifts the reading frame from cysteine 698.
Molecular consequence: frameshift variant.
Genome position (GRCh38, 1-based): chr15:90,765,314-90,765,315, GT deleted; deleting any 2 consecutive bases within chr15:90,765,311-90,765,315 gives the same sequence; the c. name uses the placement nearest the transcript's 3' end. VCF-style (leftmost placement, unchanged base first): chr15-90765310-TTG-T. GRCh37 (hg19) VCF-style: chr15-91308540-TTG-T.
Other names: c.2093_2094del, p.Cys698fs (NM_001287246.2, NM_001287247.2); c.968_969del, p.Cys323fs (NM_001287248.2); short protein forms C323fs, C698fs.
Identifiers: ClinVar variation 3638387 (VCV003638387.2).
Genomic context (GRCh38, chr15:90,765,310, plus strand): 5'-TCTGAAGACAGAACCTGACAGATATTTTTTCATTGTTCTCTTTCAGGAGGTGGTAAGAGT[TTG>T]TGTTACCAGCTCCCTGCCTGTGTTTCTCCTGGGGTCACTGTTGTCATTTCTCCCTTGAGA-3'

ClinVar aggregate classification (germline): Pathogenic (1 of 4 stars; one submission).

Conditions:
Bloom syndrome (BLM). Also called: Bloom-Torre-Machacek syndrome. Identifiers: Orphanet 125, MedGen C0005859, MONDO:0008876, OMIM 210900.

Submission:

Labcorp Genetics (formerly Invitae), Labcorp
Classification: Pathogenic for Bloom syndrome. Last evaluated: 2024-02-02. Review status: criteria provided, single submitter. Criteria: Invitae Variant Classification Sherloc (09022015). Collection method: clinical testing. Allele origin: germline.
Comment: This sequence change creates a premature translational stop signal (p.Cys698Leufs*42) in the BLM gene. It is expected to result in an absent or disrupted protein product. Loss-of-function variants in BLM are known to be pathogenic (PMID: 17407155). This variant is not present in population databases (gnomAD no frequency). This variant has not been reported in the literature in individuals affected with BLM-related conditions. For these reasons, this variant has been classified as Pathogenic.

Literature cited by the submitters: PubMed 17407155.